The following is an entry in ClinVar:

ClinVar aggregate classification (germline): Uncertain significance. Review status: criteria provided, multiple submitters, no conflicts (2 of 4 stars). 2 submissions from 2 submitters: Uncertain significance (2). Last evaluated 2023-05-12.

Conditions:
Familial hypocalciuric hypercalcemia (FHH). Also called: Familial benign hypercalcemia. Identifiers: Orphanet 405, MedGen C1809471, MONDO:0018458.
Autosomal dominant hypocalcemia 1 (HYPOC1). Also called: HYPOCALCEMIA, FAMILIAL. Identifiers: MedGen C3715128, MONDO:0011013, OMIM 601198.
Nephrolithiasis/nephrocalcinosis. Identifiers: MedGen CN580796.

Submissions (2):

Ambry Genetics
Classification: Uncertain significance for Nephrolithiasis/nephrocalcinosis. Last evaluated: 2023-05-12. Review status: criteria provided, single submitter. Criteria: Ambry Variant Classification Scheme 2023. Collection method: clinical testing. Allele origin: germline.
Comment: The c.3207delC variant, located in coding exon 6 of the CASR gene, results from a deletion of one nucleotide at nucleotide position 3207, causing a translational frameshift with a predicted alternate stop codon (p.S1069Rfs*7). This alteration occurs at the 3' terminus of theCASR gene, is not expected to trigger nonsense-mediated mRNAdecay, and only impacts the last 10 amino acids of the protein. The exact functional effect of this alteration is unknown. Since supporting evidence is limited at this time, the clinical significance of this alteration remains unclear.

Labcorp Genetics (formerly Invitae), Labcorp
Classification: Uncertain significance for Familial hypocalciuric hypercalcemia; Autosomal dominant hypocalcemia 1. Last evaluated: 2022-02-02. Review status: criteria provided, single submitter. Criteria: Invitae Variant Classification Sherloc (09022015). Collection method: clinical testing. Allele origin: germline.
Comment: In summary, the available evidence is currently insufficient to determine the role of this variant in disease. Therefore, it has been classified as a Variant of Uncertain Significance. Experimental studies and prediction algorithms are not available or were not evaluated, and the functional significance of this variant is currently unknown. This variant has not been reported in the literature in individuals affected with CASR-related conditions. This variant is not present in population databases (gnomAD no frequency). This sequence change creates a premature translational stop signal (p.Ser1069Argfs*7) in the CASR gene. While this is not anticipated to result in nonsense mediated decay, it is expected to disrupt the last 10 amino acid(s) of the CASR protein.

NM_000388.4(CASR):c.3207del (p.Ser1069fs)

Gene: CASR (calcium sensing receptor; plus strand). Cytogenetic location: 3q21.1.
Variant type: Deletion.
Coding change: c.3207del on transcript NM_000388.4 (MANE Select); coding-DNA position 3207, one base deleted (C; older notation c.3207delC).
Protein change: p.Ser1069fs; shifts the reading frame from serine 1069.
Molecular consequence: frameshift variant.
Genome position (GRCh38, 1-based): chr3:122,285,161, C deleted. VCF-style (leftmost placement, unchanged base first): chr3-122285160-GC-G. GRCh37 (hg19) VCF-style: chr3-122004007-GC-G.
Other names: c.3237del, p.Ser1079fs (NM_001178065.2); c.3207delC (NM_000388.3); short protein forms S1069fs, S1079fs.
Identifiers: ClinVar variation 1352624 (VCV001352624.7), dbSNP rs2107652125, ClinGen allele CA2573136470.
Genomic context (GRCh38, chr3:122,285,160, plus strand): 5'-AGTTGTCCCCAGCACTTGTAGTGTCCAGTTCACAGAGCTTTGTCATCAGTGGTGGAGGCA[GC>G]ACTGTTACAGAAAACGTAGTGAATTCATAAAATGGAAGGAGAAGACTGGGCTAGGGAGAA-3'